The following is an entry in ClinVar:

NM_001134407.3(GRIN2A):c.3635C>T (p.Thr1212Met)

Gene: GRIN2A (glutamate ionotropic receptor NMDA type subunit 2A; minus strand). Cytogenetic location: 16p13.2.
Variant type: single nucleotide variant.
Coding change: c.3635C>T on transcript NM_001134407.3 (MANE Select); coding-DNA position 3635, C replaced by T.
Protein change: p.Thr1212Met; replaces threonine 1212 with methionine.
Molecular consequence: missense variant.
Genome position (GRCh38, 1-based): chr16:9,763,909, G>A on the plus strand (C>T on the coding strand, the complement: GRIN2A is on the minus strand). VCF-style: chr16-9763909-G-A. GRCh37 (hg19) VCF-style: chr16-9857766-G-A.
Other names: c.3635C>T, p.Thr1212Met (NM_000833.5, NM_001134408.2); short protein forms T1212M.
Identifiers: ClinVar variation 886249 (VCV000886249.9), dbSNP rs1042202486, ClinGen allele CA394707193.

ClinVar aggregate classification (germline): Uncertain significance. Review status: criteria provided, multiple submitters, no conflicts (2 of 4 stars). 3 submissions from 3 submitters: Uncertain significance (3). Last evaluated 2026-02-23.

Conditions:
Landau-Kleffner syndrome (FESD). Also called: APHASIA, ACQUIRED, WITH EPILEPSY; EPILEPSY, FOCAL, WITH SPEECH DISORDER AND WITH OR WITHOUT MENTAL RETARDATION. Identifiers: Orphanet 1945, Orphanet 725, Orphanet 98818, MedGen C0282512, MONDO:0009509, OMIM 245570.

gnomAD v4.1: 3 of 1,613,980 alleles (0.00019%); highest among the groups gnomAD compares: Non-Finnish European, 0.00017%; no homozygotes.

Submissions (3):

GeneDx
Classification: Uncertain significance. Last evaluated: 2026-02-23. Review status: criteria provided, single submitter. Criteria: GeneDx Variant Classification Process June 2021. Collection method: clinical testing. Allele origin: germline.
Comment: Identified with a second GRIN2A variant in a patient with epilepsy, strabismus, and growth issues in the published literature (PMID: 33528079); Not observed at significant frequency in large population cohorts (gnomAD); In silico analysis suggests that this missense variant does not alter protein structure/function; This variant is associated with the following publications: (PMID: 33528079)

Labcorp Genetics (formerly Invitae), Labcorp
Classification: Uncertain significance for Landau-Kleffner syndrome. Last evaluated: 2024-11-04. Review status: criteria provided, single submitter. Criteria: Invitae Variant Classification Sherloc (09022015). Collection method: clinical testing. Allele origin: germline.
Comment: This sequence change replaces threonine, which is neutral and polar, with methionine, which is neutral and non-polar, at codon 1212 of the GRIN2A protein (p.Thr1212Met). This variant is not present in population databases (gnomAD no frequency). This missense change has been observed in individual(s) with GRIN2A-related conditions (PMID: 33528079). ClinVar contains an entry for this variant (Variation ID: 886249). Invitae Evidence Modeling of protein sequence and biophysical properties (such as structural, functional, and spatial information, amino acid conservation, physicochemical variation, residue mobility, and thermodynamic stability) indicates that this missense variant is not expected to disrupt GRIN2A protein function with a negative predictive value of 95%. In summary, the available evidence is currently insufficient to determine the role of this variant in disease. Therefore, it has been classified as a Variant of Uncertain Significance.

Illumina Laboratory Services, Illumina
Classification: Uncertain significance for Landau-Kleffner syndrome. Last evaluated: 2018-01-13. Review status: criteria provided, single submitter. Criteria: ICSL Variant Classification Criteria 13 December 2019. Collection method: clinical testing. Allele origin: germline.

Literature cited by the submitters: PubMed 33528079 (cited by Labcorp Genetics (formerly Invitae), Labcorp).